The following is an entry in ClinVar:

ClinVar aggregate classification (germline): Uncertain significance (1 of 4 stars; one submission).

Conditions:
EPHX1-related disorder. Also called: EPHX1-related condition.

gnomAD v4.1: 6 of 1,608,568 alleles (0.00037%); highest among the groups gnomAD compares: African/African-American, 0.0054%; no homozygotes.

Submission:

PreventionGenetics, part of Exact Sciences
Classification: Uncertain significance for EPHX1-related condition. Last evaluated: 2026-04-20. Review status: criteria provided, single submitter. Criteria: ACMG Guidelines, 2015. Collection method: clinical testing. Allele origin: germline.
Comment: The EPHX1 c.129G>C variant is predicted to result in the amino acid substitution p.Arg43Ser. To our knowledge, this variant has not been reported in the literature. This variant is reported in 0.0030% of alleles in individuals of Latino descent in gnomAD. At this time, the clinical significance of this variant is uncertain due to the absence of conclusive functional and genetic evidence.

NM_001136018.4(EPHX1):c.129G>C (p.Arg43Ser)

Gene: EPHX1 (epoxide hydrolase 1; plus strand). Cytogenetic location: 1q42.12.
Variant type: single nucleotide variant.
Coding change: c.129G>C on transcript NM_001136018.4 (MANE Select); coding-DNA position 129, G replaced by C.
Protein change: p.Arg43Ser; replaces arginine 43 with serine.
Molecular consequence: missense variant. On other transcripts: non-coding transcript variant (4).
Genome position (GRCh38, 1-based): chr1:225,828,858, G>C. VCF-style: chr1-225828858-G-C. GRCh37 (hg19) VCF-style: chr1-226016559-G-C.
Other names: c.129G>C, p.Arg43Ser (NM_001378430.1, NM_001378431.1, NM_001378432.1 and 6 more transcripts); short protein forms R43S.
Identifiers: ClinVar variation 4981438 (VCV004981438.1).